The following is an entry in ClinVar:

ClinVar aggregate classification (germline): Conflicting classifications of pathogenicity. Review status: criteria provided, conflicting classifications (1 of 4 stars). 3 submissions from 3 submitters: Likely pathogenic (2); Likely benign (1). Last evaluated 2025-08-28.

Conditions:
Mitochondrial myopathy-cerebellar ataxia-pigmentary retinopathy syndrome. Also called: MYOPATHY, MITOCHONDRIAL, AND ATAXIA. Identifiers: Orphanet 502423, MedGen C4540096, MONDO:0044714, OMIM 617675.

Submissions (3):

GeneDx
Classification: Likely pathogenic. Last evaluated: 2025-08-28. Review status: criteria provided, single submitter. Criteria: GeneDx Variant Classification Process June 2021. Collection method: clinical testing. Allele origin: germline. Affected: yes.
Comment: Nonsense variant predicted to result in protein truncation or nonsense mediated decay in a gene for which loss of function is a known mechanism of disease; Has not been previously published as pathogenic or benign to our knowledge

CeGaT Center for Human Genetics Tuebingen
Classification: Likely benign. Last evaluated: 2025-02-01. Review status: criteria provided, single submitter. Criteria: CeGaT Center For Human Genetics Tuebingen Variant Classification Criteria Version 2. Collection method: clinical testing. Allele origin: germline. Affected: yes. Observed: 4 variant alleles.
Comment: MSTO1: BS1

Department of Pathology and Laboratory Medicine, Sinai Health System
Classification: Likely pathogenic for Mitochondrial myopathy-cerebellar ataxia-pigmentary retinopathy syndrome. Last evaluated: 2023-01-11. Review status: criteria provided, single submitter. Criteria: ACMG Guidelines, 2015. Collection method: research. Allele origin: germline.

NM_018116.4(MSTO1):c.268C>T (p.Gln90Ter)

Gene: MSTO1 (misato mitochondrial distribution and morphology regulator 1; plus strand). Cytogenetic location: 1q22.
Variant type: single nucleotide variant.
Coding change: c.268C>T on transcript NM_018116.4 (MANE Select); coding-DNA position 268, C replaced by T.
Protein change: p.Gln90Ter; replaces glutamine 90 with a stop codon.
Molecular consequence: nonsense. On other transcripts: 5 prime UTR variant (14), non-coding transcript variant (6).
Genome position (GRCh38, 1-based): chr1:155,611,086, C>T. VCF-style: chr1-155611086-C-T. GRCh37 (hg19) VCF-style: chr1-155580877-C-T.
Other names: c.268C>T, p.Gln90Ter (NM_001256532.1, NM_001256533.1, NM_001350772.1 and 3 more transcripts); c.-20C>T (NM_001350776.1); c.-289C>T (NM_001350777.1, NM_001350779.1); c.-353C>T (NM_001350778.1); c.-405C>T (NM_001350780.1, NM_001350781.1); c.-331C>T (NM_001350782.1, NM_001350783.1, NM_001350786.1 and 1 more transcripts); c.-338C>T (NM_001350784.1, NM_001350787.1); c.-402C>T (NM_001350785.1, NM_001350789.1); short protein forms Q90*.
Identifiers: ClinVar variation 3388048 (VCV003388048.16).